The following is an entry in ClinVar:

NM_007294.4(BRCA1):c.3133A>G (p.Asn1045Asp)

Gene: BRCA1 (BRCA1 DNA repair associated; minus strand). Cytogenetic location: 17q21.31.
Variant type: single nucleotide variant.
Coding change: c.3133A>G on transcript NM_007294.4 (MANE Select); coding-DNA position 3133, A replaced by G.
Protein change: p.Asn1045Asp; replaces asparagine 1045 with aspartic acid.
Molecular consequence: missense variant. On other transcripts: intron variant (137).
Genome position (GRCh38, 1-based): chr17:43,092,398, T>C on the plus strand (A>G on the coding strand, the complement: BRCA1 is on the minus strand). VCF-style: chr17-43092398-T-C. GRCh37 (hg19) VCF-style: chr17-41244415-T-C.
Other names: c.2989A>G, p.Asn997Asp (NM_001407838.1, NM_001407839.1, NM_001407841.1 and 20 more transcripts); c.2992A>G, p.Asn998Asp (NM_001407850.1, NM_001407851.1, NM_001407852.1 and 29 more transcripts); c.2923A>G, p.Asn975Asp (NM_001407882.1, NM_001407884.1, NM_001407885.1 and 13 more transcripts); c.2920A>G, p.Asn974Asp (NM_001407894.1, NM_001407895.1, NM_001407896.1 and 9 more transcripts); c.2932A>G, p.Asn978Asp (NM_001407862.1); c.3010A>G, p.Asn1004Asp (NM_001407863.1, NM_001407648.1, NM_001407664.1 and 19 more transcripts); c.2929A>G, p.Asn977Asp (NM_001407874.1, NM_001407875.1); c.3133A>G, p.Asn1045Asp (NM_001407854.1, NM_001407858.1, NM_001407859.1 and 30 more transcripts); and 41 more; short protein forms N1004D, N917D, N933D, N975D, N977D, N749D, N918D, N956D.
Identifiers: ClinVar variation 2055058 (VCV002055058.7), dbSNP rs2154340841, ClinGen allele CA10595718.

ClinVar aggregate classification (germline): Conflicting classifications of pathogenicity. Review status: criteria provided, conflicting classifications (1 of 4 stars). 3 submissions from 3 submitters: Uncertain significance (2); Likely benign (1). Last evaluated 2024-06-07.

Conditions:
Hereditary cancer-predisposing syndrome. Also called: Tumor predisposition; Hereditary Cancer Syndrome; Neoplastic Syndromes, Hereditary; Hereditary neoplastic syndrome. Identifiers: Orphanet 140162, MedGen C0027672, MeSH D009386, MONDO:0015356.
Hereditary breast ovarian cancer syndrome. Also called: Breast and ovarian cancer; BRCA1- and BRCA2-Associated Hereditary Breast and Ovarian Cancer; Hereditary breast and ovarian cancer syndrome; Hereditary breast and ovarian cancer; Hereditary breast and ovarian cancer syndrome (HBOC); Hereditary breast and/or ovarian cancer syndrome. Identifiers: Orphanet 145, MedGen C0677776, MeSH D061325, MONDO:0003582. Disease mechanism: loss of function.

Submissions (3):

Ambry Genetics
Classification: Uncertain significance for Hereditary cancer-predisposing syndrome. Last evaluated: 2024-06-07. Review status: criteria provided, single submitter. Criteria: Ambry Variant Classification Scheme 2023. Collection method: clinical testing. Allele origin: germline.
Comment: The p.N1045D variant (also known as c.3133A>G), located in coding exon 9 of the BRCA1 gene, results from an A to G substitution at nucleotide position 3133. The asparagine at codon 1045 is replaced by aspartic acid, an amino acid with highly similar properties. This amino acid position is well conserved in available vertebrate species. In addition, the in silico prediction for this alteration is inconclusive. Based on the available evidence, the clinical significance of this variant remains unclear.

University of Washington Department of Laboratory Medicine, University of Washington
Classification: Likely benign for Hereditary cancer-predisposing syndrome. Last evaluated: 2023-03-23. Review status: criteria provided, single submitter. Criteria: Dines et al. (Genet Med. 2020). Collection method: curation. Allele origin: germline.
Comment: Missense variant in a coldspot region where missense variants are very unlikely to be pathogenic (PMID:31911673).

BRCA1 coldspot (exon 11 using historical exon numbering). Reclassification based on statistical prior probability

Labcorp Genetics (formerly Invitae), Labcorp
Classification: Uncertain significance for Hereditary breast ovarian cancer syndrome. Last evaluated: 2021-12-23. Review status: criteria provided, single submitter. Criteria: Invitae Variant Classification Sherloc (09022015). Collection method: clinical testing. Allele origin: germline.
Comment: This sequence change replaces asparagine, which is neutral and polar, with aspartic acid, which is acidic and polar, at codon 1045 of the BRCA1 protein (p.Asn1045Asp). This variant is not present in population databases (gnomAD no frequency). This variant has not been reported in the literature in individuals affected with BRCA1-related conditions. Advanced modeling of protein sequence and biophysical properties (such as structural, functional, and spatial information, amino acid conservation, physicochemical variation, residue mobility, and thermodynamic stability) performed at Invitae indicates that this missense variant is not expected to disrupt BRCA1 protein function. In summary, the available evidence is currently insufficient to determine the role of this variant in disease. Therefore, it has been classified as a Variant of Uncertain Significance.